The following is an entry in ClinVar:

ClinVar aggregate classification (germline): Uncertain significance (1 of 4 stars; one submission).

Submission:

Ambry Genetics
Classification: Uncertain significance. Last evaluated: 2023-03-19. Review status: criteria provided, single submitter. Criteria: Ambry Variant Classification Scheme 2023. Collection method: clinical testing. Allele origin: germline.
Comment: The p.L82F variant (also known as c.244C>T), located in coding exon 1 of the MNDA gene, results from a C to T substitution at nucleotide position 244. The leucine at codon 82 is replaced by phenylalanine, an amino acid with highly similar properties. This amino acid position is conserved. In addition, this alteration is predicted to be tolerated by in silico analysis. Since supporting evidence is limited at this time, the clinical significance of this alteration remains unclear.

NM_002432.3(MNDA):c.244C>T (p.Leu82Phe)

Gene: MNDA (myeloid cell nuclear differentiation antigen; plus strand). Cytogenetic location: 1q23.1.
Variant type: single nucleotide variant.
Coding change: c.244C>T on transcript NM_002432.3 (MANE Select); coding-DNA position 244, C replaced by T.
Protein change: p.Leu82Phe; replaces leucine 82 with phenylalanine.
Molecular consequence: missense variant.
Genome position (GRCh38, 1-based): chr1:158,842,397, C>T. VCF-style: chr1-158842397-C-T. GRCh37 (hg19) VCF-style: chr1-158812187-C-T.
Other names: short protein forms L82F.
Identifiers: ClinVar variation 2560429 (VCV002560429.2), dbSNP rs2526075716, ClinGen allele CA343037113.